The following is an entry in ClinVar:

ClinVar aggregate classification (germline): Likely pathogenic (1 of 4 stars; one submission).

Conditions:
Charcot-Marie-Tooth disease type 4B1. Also called: CHARCOT-MARIE-TOOTH DISEASE, DEMYELINATING, TYPE 4B1; CHARCOT-MARIE-TOOTH DISEASE, AUTOSOMAL RECESSIVE, WITH FOCALLY FOLDED MYELIN SHEATHS, AUTOSOMAL RECESSIVE, TYPE 4B1; CHARCOT-MARIE-TOOTH DISEASE, TYPE 4B; Charcot-Marie-Tooth Neuropathy Type 4B1. Identifiers: Orphanet 99955, MedGen C1832399, MONDO:0011066, OMIM 601382.

Submission:

Kariminejad - Najmabadi Pathology & Genetics Center
Classification: Likely pathogenic for Charcot-Marie-Tooth disease type 4B1. Last evaluated: 2023-10-15. Review status: criteria provided, single submitter. Criteria: ACMG Guidelines, 2015. Collection method: clinical testing. Allele origin: germline. Inheritance: Autosomal recessive inheritance. Affected: yes.
Comment: PVS1(Strong),PM2(Moderate)

NM_016156.6(MTMR2):c.805-2_805-1del

Gene: MTMR2 (myotubularin related protein 2; minus strand). Cytogenetic location: 11q21.
Variant type: Deletion.
Coding change: c.805-2_805-1del on transcript NM_016156.6 (MANE Select); the canonical splice acceptor site of the intron before coding-DNA position 805, 2 bases deleted (AG; older notation c.805-2_805-1delAG).
Molecular consequence: splice acceptor variant.
Genome position (GRCh38, 1-based): chr11:95,849,863-95,849,864, CT deleted on the plus strand (AG on the coding strand, the reverse complement: MTMR2 is on the minus strand). VCF-style (leftmost placement, unchanged base first): chr11-95849862-CCT-C. GRCh37 (hg19) VCF-style: chr11-95583026-CCT-C.
Other names: c.589-2_589-1del (NM_201281.3, NM_201278.3, NM_001243571.2).
Identifiers: ClinVar variation 3896921 (VCV003896921.1).